The following is an entry in ClinVar:

ClinVar aggregate classification (germline): Conflicting classifications of pathogenicity. Review status: criteria provided, conflicting classifications (1 of 4 stars). 2 submissions from 2 submitters: Uncertain significance (1); Likely benign (1). Last evaluated 2024-04-09.

Allele frequency attached by ClinVar (database versions not stated): ExAC 0.00002.
gnomAD v4.1: 20 of 1,613,092 alleles (0.0012%); highest among the groups gnomAD compares: African/African-American, 0.008%; no homozygotes.

Submissions (2):

Blueprint Genetics
Classification: Likely benign. Last evaluated: 2024-04-09. Review status: criteria provided, single submitter. Criteria: ACMG Guidelines, 2015. Collection method: clinical testing. Allele origin: germline.

Labcorp Genetics (formerly Invitae), Labcorp
Classification: Uncertain significance. Last evaluated: 2022-06-24. Review status: criteria provided, single submitter. Criteria: Invitae Variant Classification Sherloc (09022015). Collection method: clinical testing. Allele origin: germline.
Comment: Algorithms developed to predict the effect of sequence changes on RNA splicing suggest that this variant may create or strengthen a splice site. This variant has not been reported in the literature in individuals affected with CDH3-related conditions. This variant is present in population databases (rs760094783, gnomAD 0.02%). This sequence change affects codon 702 of the CDH3 mRNA. It is a 'silent' change, meaning that it does not change the encoded amino acid sequence of the CDH3 protein. In summary, the available evidence is currently insufficient to determine the role of this variant in disease. Therefore, it has been classified as a Variant of Uncertain Significance.

NM_001793.6(CDH3):c.2106C>T (p.Gly702=)

Gene: CDH3 (cadherin 3; plus strand). Cytogenetic location: 16q22.1.
Variant type: single nucleotide variant.
Coding change: c.2106C>T on transcript NM_001793.6 (MANE Select); coding-DNA position 2106, C replaced by T.
Protein change: p.Gly702=; no amino-acid change (glycine 702 retained).
Molecular consequence: synonymous variant.
Genome position (GRCh38, 1-based): chr16:68,695,358, C>T. VCF-style: chr16-68695358-C-T. GRCh37 (hg19) VCF-style: chr16-68729261-C-T.
Other names: c.2106C>T, p.Gly702= (NM_001317195.3); c.1941C>T, p.Gly647= (NM_001317196.2).
Identifiers: ClinVar variation 1918626 (VCV001918626.5), dbSNP rs760094783, ClinGen allele CA8129569.
Genomic context (GRCh38, chr16:68,695,358, plus strand): 5'-GATCAAGGAGCCCCTCCTACTCCCAGAAGATGACACCCGTGACAACGTCTTCTACTATGG[C>T]GAAGAGGGGGGTGGCGAAGAGGACCAGGTGGGGCACTGGGGGCTCTGGGATTGGGAGGTG-3'
Protein context (NP_001784.2, residues 692-712): DDTRDNVFYY[Gly702=]EEGGGEEDQD